The following is an entry in ClinVar:

NM_021098.3(CACNA1H):c.2790-3C>T

Gene: CACNA1H (calcium voltage-gated channel subunit alpha1 H; plus strand). Cytogenetic location: 16p13.3.
Variant type: single nucleotide variant.
Coding change: c.2790-3C>T on transcript NM_021098.3 (MANE Select); 3 bases into the intron before coding-DNA position 2790, C replaced by T.
Molecular consequence: intron variant.
Genome position (GRCh38, 1-based): chr16:1,206,998, C>T. VCF-style: chr16-1206998-C-T. GRCh37 (hg19) VCF-style: chr16-1256998-C-T.
Other names: c.2790-3C>T (NM_001005407.2).
Identifiers: ClinVar variation 3761391 (VCV003761391.2).
Genomic context (GRCh38, chr16:1,206,998, plus strand): 5'-CACCTTCTTCCGCTCAGCACACCCCTGCCTCCACCCTCAACACGCCCCTGCCCCCACCCT[C>T]AGCATCCTGGGCATGCACCTTTTCGGCTGCAAGTTCAGCCTGAAGACAGACACCGGAGAC-3'

ClinVar aggregate classification (germline): Uncertain significance (1 of 4 stars; one submission).

Conditions:
Idiopathic generalized epilepsy. Also called: EIG; Generalised epilepsy. Identifiers: MedGen C0270850, MONDO:0005579, OMIM 600669.
Hyperaldosteronism, familial, type IV (HALD4). Also called: FH IV; ALDOSTERONISM, PRIMARY, AND HYPERTENSION. Identifiers: Orphanet 642671, MedGen C4310756, MONDO:0014875, OMIM 617027.

Submission:

Labcorp Genetics (formerly Invitae), Labcorp
Classification: Uncertain significance for Idiopathic generalized epilepsy; Hyperaldosteronism, familial, type IV. Last evaluated: 2024-03-19. Review status: criteria provided, single submitter. Criteria: Invitae Variant Classification Sherloc (09022015). Collection method: clinical testing. Allele origin: germline.
Comment: This sequence change falls in intron 12 of the CACNA1H gene. It does not directly change the encoded amino acid sequence of the CACNA1H protein. It affects a nucleotide within the consensus splice site. The frequency data for this variant in the population databases is considered unreliable, as metrics indicate poor data quality at this position in the gnomAD database. This variant has not been reported in the literature in individuals affected with CACNA1H-related conditions. Variants that disrupt the consensus splice site are a relatively common cause of aberrant splicing (PMID: 17576681, 9536098). Algorithms developed to predict the effect of sequence changes on RNA splicing suggest that this variant is not likely to affect RNA splicing. In summary, the available evidence is currently insufficient to determine the role of this variant in disease. Therefore, it has been classified as a Variant of Uncertain Significance.

Literature cited by the submitters: PubMed 17576681; PubMed 9536098.